The following is an entry in ClinVar:

ClinVar aggregate classification (germline): Uncertain significance (1 of 4 stars; one submission).

Conditions:
Hereditary cancer-predisposing syndrome. Also called: Neoplastic Syndromes, Hereditary; Tumor predisposition; Hereditary Cancer Syndrome; Hereditary neoplastic syndrome. Identifiers: Orphanet 140162, MedGen C0027672, MeSH D009386, MONDO:0015356.

Submission:

Ambry Genetics
Classification: Uncertain significance for Hereditary cancer-predisposing syndrome. Last evaluated: 2024-08-22. Review status: criteria provided, single submitter. Criteria: Ambry Variant Classification Scheme 2023. Collection method: clinical testing. Allele origin: germline.
Comment: The p.I573L variant (also known as c.1717A>C), located in coding exon 18 of the RB1 gene, results from an A to C substitution at nucleotide position 1717. The isoleucine at codon 573 is replaced by leucine, an amino acid with highly similar properties. This amino acid position is conserved. In addition, the in silico prediction for this alteration is inconclusive. Based on the available evidence, the clinical significance of this variant remains unclear.

NM_000321.3(RB1):c.1717A>C (p.Ile573Leu)

Gene: RB1 (RB transcriptional corepressor 1; plus strand). Cytogenetic location: 13q14.2.
Variant type: single nucleotide variant.
Coding change: c.1717A>C on transcript NM_000321.3 (MANE Select); coding-DNA position 1717, A replaced by C.
Protein change: p.Ile573Leu; replaces isoleucine 573 with leucine.
Molecular consequence: missense variant.
Genome position (GRCh38, 1-based): chr13:48,453,014, A>C. VCF-style: chr13-48453014-A-C. GRCh37 (hg19) VCF-style: chr13-49027150-A-C.
Other names: c.1717A>C, p.Ile573Leu (NM_001407165.1); short protein forms I573L.
Identifiers: ClinVar variation 3430878 (VCV003430878.1).